The following is an entry in ClinVar:

NM_001085411.3(NADK2):c.1190+6C>T

Gene: NADK2 (NAD kinase 2, mitochondrial; minus strand). Cytogenetic location: 5p13.2.
Variant type: single nucleotide variant.
Coding change: c.1190+6C>T on transcript NM_001085411.3 (MANE Select); 6 bases into the intron after coding-DNA position 1190, C replaced by T.
Molecular consequence: intron variant.
Genome position (GRCh38, 1-based): chr5:36,197,535, G>A on the plus strand (C>T on the coding strand, the complement: NADK2 is on the minus strand). VCF-style: chr5-36197535-G-A. GRCh37 (hg19) VCF-style: chr5-36197637-G-A.
Other names: c.1190+6C>T (NM_001085411.1); c.701+6C>T (NM_153013.5, NM_001287340.2); c.767+6C>T (NM_001287341.2).
Identifiers: ClinVar variation 1036792 (VCV001036792.7), dbSNP rs377615419, ClinGen allele CA3234495.

ClinVar aggregate classification (germline): Uncertain significance. Review status: criteria provided, multiple submitters, no conflicts (2 of 4 stars). 2 submissions from 2 submitters: Uncertain significance (2). Last evaluated 2025-12-15.

Conditions:
Inborn genetic diseases. Identifiers: MedGen C0950123, MeSH D030342.
Progressive encephalopathy with leukodystrophy due to DECR deficiency. Identifiers: Orphanet 431361, MedGen C1857252, MONDO:0014464, OMIM 616034.

Allele frequency attached by ClinVar (database versions not stated): gnomAD 0.00001; gnomAD exomes 0.00001 and 0.00002; TOPMed 0.00001; ExAC 0.00002; ESP Exome Variant Server 0.00008.
gnomAD v4.1: 35 of 1,612,070 alleles (0.0022%); highest among the groups gnomAD compares: Non-Finnish European, 0.003%; no homozygotes.

Submissions (2):

Labcorp Genetics (formerly Invitae), Labcorp
Classification: Uncertain significance for Progressive encephalopathy with leukodystrophy due to DECR deficiency. Last evaluated: 2025-12-15. Review status: criteria provided, single submitter. Criteria: Invitae Variant Classification Sherloc (09022015). Collection method: clinical testing. Allele origin: germline.
Comment: This sequence change falls in intron 11 of the NADK2 gene. It does not directly change the encoded amino acid sequence of the NADK2 protein. It affects a nucleotide within the consensus splice site. This variant is present in population databases (rs377615419, gnomAD 0.003%). This variant has not been reported in the literature in individuals affected with NADK2-related conditions. ClinVar contains an entry for this variant (Variation ID: 1036792). Variants that disrupt the consensus splice site are a relatively common cause of aberrant splicing (PMID: 17576681, 9536098). Algorithms developed to predict the effect of sequence changes on RNA splicing suggest that this variant is not likely to affect RNA splicing. In summary, the available evidence is currently insufficient to determine the role of this variant in disease. Therefore, it has been classified as a Variant of Uncertain Significance.

Ambry Genetics
Classification: Uncertain significance for Inborn genetic diseases. Last evaluated: 2022-07-21. Review status: criteria provided, single submitter. Criteria: Ambry Variant Classification Scheme 2023. Collection method: clinical testing. Allele origin: germline.
Comment: The c.1190+6C>T intronic alteration consists of a C to T substitution nucleotides after coding exon 11 in the NADK2 gene. Based on insufficient or conflicting evidence, the clinical significance of this alteration remains unclear.

Literature cited by the submitters: PubMed 17576681 (cited by Labcorp Genetics (formerly Invitae), Labcorp); PubMed 9536098 (cited by Labcorp Genetics (formerly Invitae), Labcorp).